The following is an entry in ClinVar:

NM_000083.3(CLCN1):c.1254G>T (p.Leu418Phe)

Gene: CLCN1 (chloride voltage-gated channel 1; plus strand). Cytogenetic location: 7q34.
Variant type: single nucleotide variant.
Coding change: c.1254G>T on transcript NM_000083.3 (MANE Select); coding-DNA position 1254, G replaced by T.
Protein change: p.Leu418Phe; replaces leucine 418 with phenylalanine.
Molecular consequence: missense variant.
Genome position (GRCh38, 1-based): chr7:143,332,726, G>T. VCF-style: chr7-143332726-G-T. GRCh37 (hg19) VCF-style: chr7-143029819-G-T.
Other names: short protein forms L418F.
Identifiers: ClinVar variation 2930125 (VCV002930125.3), dbSNP rs1472138354, ClinGen allele CA369643690.

ClinVar aggregate classification (germline): Uncertain significance (1 of 4 stars; one submission).

Conditions:
Congenital myotonia, autosomal dominant form (THD). Also called: THOMSEN DISEASE; Myotonia congenita autosomal dominant. Identifiers: Orphanet 614, MedGen C2936781, MONDO:0008055, OMIM 160800.
Congenital myotonia, autosomal recessive form. Also called: BECKER DISEASE; Becker Generalized Myotonia; myotonia congenita, autosomal recessive. Identifiers: Orphanet 614, MedGen C0751360, MONDO:0009715, OMIM 255700.

Submission:

Labcorp Genetics (formerly Invitae), Labcorp
Classification: Uncertain significance for Congenital myotonia, autosomal recessive form; Congenital myotonia, autosomal dominant form. Last evaluated: 2024-02-26. Review status: criteria provided, single submitter. Criteria: Invitae Variant Classification Sherloc (09022015). Collection method: clinical testing. Allele origin: germline.
Comment: This sequence change replaces leucine, which is neutral and non-polar, with phenylalanine, which is neutral and non-polar, at codon 418 of the CLCN1 protein (p.Leu418Phe). This variant is present in population databases (no rsID available, gnomAD 0.0009%). This variant has not been reported in the literature in individuals affected with CLCN1-related conditions. An algorithm developed to predict the effect of missense changes on protein structure and function (PolyPhen-2) suggests that this variant is likely to be disruptive. In summary, the available evidence is currently insufficient to determine the role of this variant in disease. Therefore, it has been classified as a Variant of Uncertain Significance.